The following is an entry in ClinVar:

NM_001252024.2(TRPM1):c.1180C>T (p.Pro394Ser)

Gene: TRPM1 (transient receptor potential cation channel subfamily M member 1; minus strand). Cytogenetic location: 15q13.3.
Variant type: single nucleotide variant.
Coding change: c.1180C>T on transcript NM_001252024.2 (MANE Select); coding-DNA position 1180, C replaced by T.
Protein change: p.Pro394Ser; replaces proline 394 with serine.
Molecular consequence: missense variant.
Genome position (GRCh38, 1-based): chr15:31,060,627, G>A on the plus strand (C>T on the coding strand, the complement: TRPM1 is on the minus strand). VCF-style: chr15-31060627-G-A. GRCh37 (hg19) VCF-style: chr15-31352830-G-A.
Other names: c.1231C>T, p.Pro411Ser (NM_001252020.2); c.1114C>T, p.Pro372Ser (NM_002420.6); short protein forms P394S, P372S, P411S.
Identifiers: ClinVar variation 1895616 (VCV001895616.5), dbSNP rs2504185603, ClinGen allele CA391521816.

ClinVar aggregate classification (germline): Uncertain significance (1 of 4 stars; one submission).

Allele frequency attached by ClinVar (database versions not stated): gnomAD exomes below 0.00001.
gnomAD v4.1: 6 of 1,614,182 alleles (0.00037%); highest among the groups gnomAD compares: Non-Finnish European, 0.00051%; no homozygotes.

Submission:

Labcorp Genetics (formerly Invitae), Labcorp
Classification: Uncertain significance. Last evaluated: 2022-09-12. Review status: criteria provided, single submitter. Criteria: Invitae Variant Classification Sherloc (09022015). Collection method: clinical testing. Allele origin: germline.
Comment: This sequence change replaces proline, which is neutral and non-polar, with serine, which is neutral and polar, at codon 372 of the TRPM1 protein (p.Pro372Ser). This variant is not present in population databases (gnomAD no frequency). This variant has not been reported in the literature in individuals affected with TRPM1-related conditions. Advanced modeling of protein sequence and biophysical properties (such as structural, functional, and spatial information, amino acid conservation, physicochemical variation, residue mobility, and thermodynamic stability) performed at Invitae indicates that this missense variant is not expected to disrupt TRPM1 protein function. In summary, the available evidence is currently insufficient to determine the role of this variant in disease. Therefore, it has been classified as a Variant of Uncertain Significance.